The following is an entry in ClinVar:

ClinVar aggregate classification (germline): Uncertain significance. Review status: criteria provided, multiple submitters, no conflicts (2 of 4 stars). 2 submissions from 2 submitters: Uncertain significance (2). Last evaluated 2024-11-10.

Conditions:
Inborn genetic diseases. Identifiers: MedGen C0950123, MeSH D030342.
Hyperekplexia 3 (HKPX3). Also called: HYPEREKPLEXIA 3, AUTOSOMAL RECESSIVE; HYPEREKPLEXIA 3, AUTOSOMAL DOMINANT. Identifiers: Orphanet 3197, MedGen C3553288, MONDO:0013827, OMIM 614618.

Submissions (2):

Ambry Genetics
Classification: Uncertain significance for Inborn genetic diseases. Last evaluated: 2024-11-10. Review status: criteria provided, single submitter. Criteria: Ambry Variant Classification Scheme 2023. Collection method: clinical testing. Allele origin: germline.

Labcorp Genetics (formerly Invitae), Labcorp
Classification: Uncertain significance for Hyperekplexia 3. Last evaluated: 2021-08-31. Review status: criteria provided, single submitter. Criteria: Invitae Variant Classification Sherloc (09022015). Collection method: clinical testing. Allele origin: germline.
Comment: This sequence change replaces aspartic acid with histidine at codon 790 of the SLC6A5 protein (p.Asp790His). The aspartic acid residue is highly conserved and there is a moderate physicochemical difference between aspartic acid and histidine. This variant is not present in population databases (ExAC no frequency). This variant has not been reported in the literature in individuals affected with SLC6A5-related conditions. Algorithms developed to predict the effect of missense changes on protein structure and function are either unavailable or do not agree on the potential impact of this missense change (SIFT: "Deleterious"; PolyPhen-2: "Possibly Damaging"; Align-GVGD: "Class C0"). In summary, the available evidence is currently insufficient to determine the role of this variant in disease. Therefore, it has been classified as a Variant of Uncertain Significance.

NM_004211.5(SLC6A5):c.2368G>C (p.Asp790His)

Gene: SLC6A5 (solute carrier family 6 member 5; plus strand). Cytogenetic location: 11p15.1.
Variant type: single nucleotide variant.
Coding change: c.2368G>C on transcript NM_004211.5 (MANE Select); coding-DNA position 2368, G replaced by C.
Protein change: p.Asp790His; replaces aspartic acid 790 with histidine.
Molecular consequence: missense variant.
Genome position (GRCh38, 1-based): chr11:20,654,842, G>C. VCF-style: chr11-20654842-G-C. GRCh37 (hg19) VCF-style: chr11-20676388-G-C.
Other names: c.1666G>C, p.Asp556His (NM_001318369.2); c.2368G>C (NM_004211.3); short protein forms D790H, D556H.
Identifiers: ClinVar variation 1470795 (VCV001470795.5), dbSNP rs1373031954, ClinGen allele CA379916807.